The following is an entry in ClinVar:

NM_172166.4(MSH5):c.253C>T (p.Leu85Phe)

Genes: MSH5 (mutS homolog 5; plus strand), MSH5-SAPCD1 (MSH5-SAPCD1 readthrough (NMD candidate); plus strand). Cytogenetic location: 6p21.33.
Variant type: single nucleotide variant.
Coding change: c.253C>T on transcript NM_172166.4 (MANE Select); coding-DNA position 253, C replaced by T.
Protein change: p.Leu85Phe; replaces leucine 85 with phenylalanine.
Molecular consequence: missense variant. On other transcripts: non-coding transcript variant (1).
Genome position (GRCh38, 1-based): chr6:31,741,268, C>T. VCF-style: chr6-31741268-C-T. GRCh37 (hg19) VCF-style: chr6-31709045-C-T.
Other names: c.253C>T, p.Leu85Phe (NM_002441.5, NM_025259.6, NM_172165.4); short protein forms L85F.
Identifiers: ClinVar variation 3056913 (VCV003056913.2), dbSNP rs28381349, ClinGen allele CA3720908.

ClinVar aggregate classification (germline): Benign (0 of 4 stars; one submission).

Conditions:
MSH5-related disorder. Also called: MSH5-related condition.

Allele frequency attached by ClinVar (database versions not stated): ExAC 0.02340; 1000 Genomes Project 0.03255; gnomAD 0.03470; 1000 Genomes Project 30x 0.03607; ESP Exome Variant Server 0.03815; TOPMed 0.04056.
gnomAD v4.1: 32,278 of 1,612,082 alleles (2%); highest among the groups gnomAD compares: African/African-American, 6.8%; 690 homozygotes.

Submission:

PreventionGenetics, part of Exact Sciences
Classification: Benign for MSH5-related condition. Last evaluated: 2019-10-17. Review status: no assertion criteria provided. Collection method: clinical testing. Allele origin: germline.
Comment: This variant is classified as benign based on ACMG/AMP sequence variant interpretation guidelines (Richards et al. 2015 PMID: 25741868, with internal and published modifications).